The following is an entry in ClinVar:

NM_000321.3(RB1):c.844del (p.Glu282fs)

Gene: RB1 (RB transcriptional corepressor 1; plus strand). Cytogenetic location: 13q14.2.
Variant type: Deletion.
Coding change: c.844del on transcript NM_000321.3 (MANE Select); coding-DNA position 844, one base deleted (G; older notation c.844delG).
Protein change: p.Glu282fs; shifts the reading frame from glutamic acid 282.
Molecular consequence: frameshift variant.
Genome position (GRCh38, 1-based): chr13:48,362,940, G deleted. VCF-style (leftmost placement, unchanged base first): chr13-48362939-TG-T. GRCh37 (hg19) VCF-style: chr13-48937075-TG-T.
Other names: c.844del, p.Glu282fs (NM_001407165.1, NM_001407166.1); short protein forms E282fs.
Identifiers: ClinVar variation 3236930 (VCV003236930.1), dbSNP rs2542182360.

ClinVar aggregate classification (germline): Pathogenic (1 of 4 stars; one submission).

Conditions:
Retinoblastoma (RB1). Also called: RETINOBLASTOMA, SOMATIC. Identifiers: Orphanet 790, MedGen C0035335, MeSH D012175, MONDO:0008380, OMIM 180200, HP:0009919. Disease mechanism: loss of function. Inheritance: Both sporadic and heritable forms are tested..

Submission:

Genetic Diagnostic Laboratory, University of Pennsylvania School of Medicine
Classification: Pathogenic for Retinoblastoma. Last evaluated: 2024-05-20. Review status: criteria provided, single submitter. Criteria: ACMG Guidelines, 2015. Collection method: clinical testing. Allele origin: germline. Affected: yes. Observed: 1 variant allele.
Comment: Case and Pedigree Information: BILATERAL CASES:1, UNILATERAL CASES:0, TOTAL CASES:1, PEDIGREES:1. ACMG Codes Applied:PVS1, PM2